The following is an entry in ClinVar:

NM_052867.4(NALCN):c.2006_2007delinsTT (p.Arg669Leu)

Gene: NALCN (sodium leak channel, non-selective; minus strand). Cytogenetic location: 13q33.1.
Variant type: Indel.
Coding change: c.2006_2007delinsTT on transcript NM_052867.4 (MANE Select); coding-DNA positions 2006 to 2007, GC replaced by TT.
Protein change: p.Arg669Leu; replaces arginine 669 with leucine.
Molecular consequence: missense variant.
Genome position (GRCh38, 1-based): chr13:101,143,191-101,143,192, GC replaced by AA on the plus strand (GC replaced by TT on the coding strand, the reverse complement: NALCN is on the minus strand). VCF-style: chr13-101143191-GC-AA. GRCh37 (hg19) VCF-style: chr13-101795542-GC-AA.
Other names: c.2006_2007delinsTT, p.Arg669Leu (NM_001350748.2, NM_001350749.2); c.1919_1920delinsTT, p.Arg640Leu (NM_001350750.2, NM_001350751.2); short protein forms R640L, R669L.
Identifiers: ClinVar variation 1704785 (VCV001704785.2), dbSNP rs2502452427, ClinGen allele CA2580087016.
Genomic context (GRCh38, chr13:101,143,191, plus strand): 5'-GCAGGAGGAGGAAGAGGTGGTCGGGAGGCTTCTCAGGAGGCAACATGTGTCCTGTTGCTG[GC>AA]GGTCAATAAACTGCTTCATAAAACTCTCCCTTTGCAAATGAAGTATATGTGCATCAGGCA-3'
Protein context (NP_443099.1, residues 659-679): RESFMKQFID[Arg669Leu]QQQDTCCLLR

ClinVar aggregate classification (germline): Uncertain significance (1 of 4 stars; one submission).

Submission:

GeneDx
Classification: Uncertain significance. Last evaluated: 2022-03-11. Review status: criteria provided, single submitter. Criteria: GeneDx Variant Classification Process June 2021. Collection method: clinical testing. Allele origin: germline. Affected: yes.
Comment: Not observed at significant frequency in large population cohorts (gnomAD); In silico analysis supports that this variant does not alter protein structure/function; In-silico analysis is inconclusive as to whether the variant alters gene splicing. In the absence of RNA/functional studies, the actual effect of this sequence change is unknown.; Has not been previously published as pathogenic or benign to our knowledge